The following is an entry in ClinVar:

NM_000038.6(APC):c.4073C>G (p.Ala1358Gly)

Gene: APC (APC regulator of Wnt signaling pathway; plus strand). Cytogenetic location: 5q22.2.
Variant type: single nucleotide variant.
Coding change: c.4073C>G on transcript NM_000038.6 (MANE Select); coding-DNA position 4073, C replaced by G.
Protein change: p.Ala1358Gly; replaces alanine 1358 with glycine.
Molecular consequence: missense variant. On other transcripts: non-coding transcript variant (2).
Genome position (GRCh38, 1-based): chr5:112,839,667, C>G. VCF-style: chr5-112839667-C-G. GRCh37 (hg19) VCF-style: chr5-112175364-C-G.
Other names: c.4073C>G, p.Ala1358Gly (NM_001127510.3, NM_001354895.2, NM_001407450.1); c.4019C>G, p.Ala1340Gly (NM_001127511.3); c.4127C>G, p.Ala1376Gly (NM_001354896.2, NM_001407447.1, NM_001407448.1 and 1 more transcripts); c.4103C>G, p.Ala1368Gly (NM_001354897.2); c.3998C>G, p.Ala1333Gly (NM_001354898.2); c.3989C>G, p.Ala1330Gly (NM_001354899.2); c.3950C>G, p.Ala1317Gly (NM_001354900.2); c.3896C>G, p.Ala1299Gly (NM_001354901.2, NM_001407453.1); and 11 more; short protein forms A1257G, A1275G, A1299G, A1317G, A1351G, A974G, A1075G, A1232G.
Identifiers: ClinVar variation 2848248 (VCV002848248.3), dbSNP rs730881249, ClinGen allele CA16030255.

ClinVar aggregate classification (germline): Uncertain significance (1 of 4 stars; one submission).

Conditions:
Familial adenomatous polyposis 1 (FAP1). Also called: FAMILIAL ADENOMATOUS POLYPOSIS 1, ATTENUATED; POLYPOSIS, ADENOMATOUS INTESTINAL. Identifiers: MedGen C2713442, MONDO:0021056, OMIM 175100. Disease mechanism: loss of function.

Submission:

Labcorp Genetics (formerly Invitae), Labcorp
Classification: Uncertain significance for Familial adenomatous polyposis 1. Last evaluated: 2023-05-31. Review status: criteria provided, single submitter. Criteria: Invitae Variant Classification Sherloc (09022015). Collection method: clinical testing. Allele origin: germline.
Comment: In summary, the available evidence is currently insufficient to determine the role of this variant in disease. Therefore, it has been classified as a Variant of Uncertain Significance. Advanced modeling of protein sequence and biophysical properties (such as structural, functional, and spatial information, amino acid conservation, physicochemical variation, residue mobility, and thermodynamic stability) performed at Invitae indicates that this missense variant is not expected to disrupt APC protein function. This variant has not been reported in the literature in individuals affected with APC-related conditions. This variant is not present in population databases (gnomAD no frequency). This sequence change replaces alanine, which is neutral and non-polar, with glycine, which is neutral and non-polar, at codon 1358 of the APC protein (p.Ala1358Gly).